The following is an entry in ClinVar:

ClinVar aggregate classification (germline): Uncertain significance (1 of 4 stars; one submission).

Allele frequency attached by ClinVar (database versions not stated): gnomAD exomes 0.00001.
gnomAD v4.1: 19 of 1,551,674 alleles (0.0012%); highest among the groups gnomAD compares: South Asian, 0.012%; no homozygotes.

Submission:

Labcorp Genetics (formerly Invitae), Labcorp
Classification: Uncertain significance. Last evaluated: 2024-11-18. Review status: criteria provided, single submitter. Criteria: Invitae Variant Classification Sherloc (09022015). Collection method: clinical testing. Allele origin: germline.
Comment: This sequence change replaces glycine, which is neutral and non-polar, with serine, which is neutral and polar, at codon 351 of the FOXI3 protein (p.Gly351Ser). This variant is present in population databases (rs370207846, gnomAD 0.009%). This variant has not been reported in the literature in individuals affected with FOXI3-related conditions. ClinVar contains an entry for this variant (Variation ID: 2958224). An algorithm developed to predict the effect of missense changes on protein structure and function outputs the following: PolyPhen-2: "Not Available". The serine amino acid residue is found in multiple mammalian species, which suggests that this missense change does not adversely affect protein function. In summary, the available evidence is currently insufficient to determine the role of this variant in disease. Therefore, it has been classified as a Variant of Uncertain Significance.

NM_001135649.3(FOXI3):c.1051G>A (p.Gly351Ser)

Gene: FOXI3 (forkhead box I3; minus strand). Cytogenetic location: 2p11.2.
Variant type: single nucleotide variant.
Coding change: c.1051G>A on transcript NM_001135649.3 (MANE Select); coding-DNA position 1051, G replaced by A.
Protein change: p.Gly351Ser; replaces glycine 351 with serine.
Molecular consequence: missense variant.
Genome position (GRCh38, 1-based): chr2:88,448,419, C>T on the plus strand (G>A on the coding strand, the complement: FOXI3 is on the minus strand). VCF-style: chr2-88448419-C-T. GRCh37 (hg19) VCF-style: chr2-88747938-C-T.
Other names: short protein forms G351S.
Identifiers: ClinVar variation 2958224 (VCV002958224.3), dbSNP rs370207846, ClinGen allele CA51943835.
Genomic context (GRCh38, chr2:88,448,419, plus strand): 5'-TATTGCTCAGTTGCAAGGTGTCTGCTGAGGCCTCTGAGATGGAGGTCGGGGAGAACACGC[C>T]GCTGGAGGGCAGCTGGGCCCCCTGGATCCCTAGGTGGCGGCTGCCAGGGAGAGCCCGCTG-3'
Protein context (NP_001129121.1, residues 341-361): GIQGAQLPSS[Gly351Ser]VFSPTSISEA